The following is an entry in ClinVar:

ClinVar aggregate classification (germline): Uncertain significance. Review status: criteria provided, multiple submitters, no conflicts (2 of 4 stars). 2 submissions from 2 submitters: Uncertain significance (2). Last evaluated 2025-09-14.

Conditions:
Hereditary cancer-predisposing syndrome. Also called: Neoplastic Syndromes, Hereditary; Hereditary neoplastic syndrome; Tumor predisposition; Hereditary Cancer Syndrome. Identifiers: Orphanet 140162, MedGen C0027672, MeSH D009386, MONDO:0015356.
BAP1-related tumor predisposition syndrome (TPDS1). Also called: BAP1 tumor predisposition syndrome; Tumor susceptibility linked to germline BAP1 mutations; COMMON Syndrome; TUMOR PREDISPOSITION SYNDROME 1. Identifiers: Orphanet 289539, MedGen C3280492, MONDO:0013692, OMIM 614327.

Submissions (2):

Ambry Genetics
Classification: Uncertain significance for Hereditary cancer-predisposing syndrome. Last evaluated: 2025-09-14. Review status: criteria provided, single submitter. Criteria: Ambry Variant Classification Scheme 2023. Collection method: clinical testing. Allele origin: germline.
Comment: The p.E136D variant (also known as c.408G>T), located in coding exon 6 of the BAP1 gene, results from a G to T substitution at nucleotide position 408. The glutamic acid at codon 136 is replaced by aspartic acid, an amino acid with highly similar properties. This amino acid position is conserved. In addition, the in silico prediction for this alteration is inconclusive. Based on the available evidence, the clinical significance of this variant remains unclear.

Labcorp Genetics (formerly Invitae), Labcorp
Classification: Uncertain significance for BAP1-related tumor predisposition syndrome. Last evaluated: 2022-06-07. Review status: criteria provided, single submitter. Criteria: Invitae Variant Classification Sherloc (09022015). Collection method: clinical testing. Allele origin: germline.
Comment: In summary, the available evidence is currently insufficient to determine the role of this variant in disease. Therefore, it has been classified as a Variant of Uncertain Significance. This sequence change replaces glutamic acid, which is acidic and polar, with aspartic acid, which is acidic and polar, at codon 136 of the BAP1 protein (p.Glu136Asp). This variant is not present in population databases (gnomAD no frequency). This variant has not been reported in the literature in individuals affected with BAP1-related conditions. Algorithms developed to predict the effect of missense changes on protein structure and function are either unavailable or do not agree on the potential impact of this missense change (SIFT: "Deleterious"; PolyPhen-2: "Benign"; Align-GVGD: "Class C35").

NM_004656.4(BAP1):c.408G>T (p.Glu136Asp)

Gene: BAP1 (BRCA1 associated deubiquitinase 1; minus strand). Cytogenetic location: 3p21.1.
Variant type: single nucleotide variant.
Coding change: c.408G>T on transcript NM_004656.4 (MANE Select); coding-DNA position 408, G replaced by T.
Protein change: p.Glu136Asp; replaces glutamic acid 136 with aspartic acid.
Molecular consequence: missense variant.
Genome position (GRCh38, 1-based): chr3:52,407,428, C>A on the plus strand (G>T on the coding strand, the complement: BAP1 is on the minus strand). VCF-style: chr3-52407428-C-A. GRCh37 (hg19) VCF-style: chr3-52441444-C-A.
Other names: c.408G>T, p.Glu136Asp (NM_001410772.1); short protein forms E136D.
Identifiers: ClinVar variation 1997589 (VCV001997589.5), dbSNP rs2153227956, ClinGen allele CA353110939.
Genomic context (GRCh38, chr3:52,407,428, plus strand): 5'-CCCCACATCAGCTCCCACAGCTCCCACACACCTGGCATGGCTATTATGGGCCTTGGCCAA[C>A]TCCGGGGCATTGCCAATCGCATATCCTTTGCTCTACGGGGAAGAAAATAAGGCCGTATCA-3'
Protein context (NP_004647.1, residues 126-146): SKGYAIGNAP[Glu136Asp]LAKAHNSHAR